The following is an entry in ClinVar:

NM_001035.3(RYR2):c.6929-250A>G

Gene: RYR2 (ryanodine receptor 2; plus strand). Cytogenetic location: 1q43.
Variant type: single nucleotide variant.
Coding change: c.6929-250A>G on transcript NM_001035.3 (MANE Select); 250 bases into the intron before coding-DNA position 6929, A replaced by G.
Molecular consequence: intron variant.
Genome position (GRCh38, 1-based): chr1:237,638,765, A>G. VCF-style: chr1-237638765-A-G. GRCh37 (hg19) VCF-style: chr1-237802065-A-G.
Other names: NC_000001.10:g.237802065A>G.
Identifiers: ClinVar variation 669273 (VCV000669273.2), dbSNP rs1023214, ClinGen allele CA39787710.

ClinVar aggregate classification (germline): Benign (1 of 4 stars; one submission).

Allele frequency attached by ClinVar (database versions not stated): 1000 Genomes Project 0.17612; TOPMed 0.21030; gnomAD 0.21282 and 0.21729; 1000 Genomes Project 30x 0.17270.

Submissions (3):

GeneDx
Classification: Benign. Last evaluated: 2018-06-15. Review status: criteria provided, single submitter. Criteria: GeneDx Variant Classification (06012015). Collection method: clinical testing. Allele origin: germline. Affected: yes.
Comment: This variant is considered likely benign or benign based on one or more of the following criteria: it is a conservative change, it occurs at a poorly conserved position in the protein, it is predicted to be benign by multiple in silico algorithms, and/or has population frequency not consistent with disease.

Dr. Peter K. Rogan Lab, Western University
No classification provided (evidence only). Condition: Lung cancer. Review status: no classification provided. Collection method: in vitro. Allele origin: not applicable. Functional consequence: retained intron. Not counted in ClinVar's aggregate classification.

Dr. Peter K. Rogan Lab, Western University
No classification provided (evidence only). Condition: Malignant lymphoma, large B-cell, diffuse. Review status: no classification provided. Collection method: in vitro. Allele origin: not applicable. Functional consequence: retained intron. Not counted in ClinVar's aggregate classification.